The following is an entry in ClinVar:

ClinVar aggregate classification (germline): Uncertain significance. Review status: criteria provided, multiple submitters, no conflicts (2 of 4 stars). 2 submissions from 2 submitters: Uncertain significance (2). Last evaluated 2025-01-06.

Conditions:
Nephronophthisis 15 (NPHP15). Identifiers: Orphanet 3156, MedGen C3541853, MONDO:0013917, OMIM 614845.

Allele frequency attached by ClinVar (database versions not stated): gnomAD exomes 0.00001 and 0.00002; gnomAD 0.00002; TOPMed 0.00004.
gnomAD v4.1: 21 of 1,610,552 alleles (0.0013%); highest among the groups gnomAD compares: Middle Eastern, 0.017%; no homozygotes.

Submissions (2):

Labcorp Genetics (formerly Invitae), Labcorp
Classification: Uncertain significance for Nephronophthisis 15. Last evaluated: 2025-01-06. Review status: criteria provided, single submitter. Criteria: Invitae Variant Classification Sherloc (09022015). Collection method: clinical testing. Allele origin: germline.
Comment: This sequence change falls in intron 18 of the CEP164 gene. It does not directly change the encoded amino acid sequence of the CEP164 protein. This variant is present in population databases (no rsID available, gnomAD 0.003%). This variant has not been reported in the literature in individuals affected with CEP164-related conditions. ClinVar contains an entry for this variant (Variation ID: 1377616). Algorithms developed to predict the effect of sequence changes on RNA splicing suggest that this variant may disrupt the consensus splice site. In summary, the available evidence is currently insufficient to determine the role of this variant in disease. Therefore, it has been classified as a Variant of Uncertain Significance.

Fulgent Genetics
Classification: Uncertain significance for Nephronophthisis 15. Last evaluated: 2022-03-30. Review status: criteria provided, single submitter. Criteria: ACMG Guidelines, 2015. Collection method: clinical testing. Allele origin: unknown.

NM_014956.5(CEP164):c.2362-14G>A

Gene: CEP164 (centrosomal protein 164; plus strand). Cytogenetic location: 11q23.3.
Variant type: single nucleotide variant.
Coding change: c.2362-14G>A on transcript NM_014956.5 (MANE Select); 14 bases into the intron before coding-DNA position 2362, G replaced by A.
Molecular consequence: intron variant.
Genome position (GRCh38, 1-based): chr11:117,392,482, G>A. VCF-style: chr11-117392482-G-A. GRCh37 (hg19) VCF-style: chr11-117263198-G-A.
Other names: c.2371-14G>A (NM_001271933.2).
Identifiers: ClinVar variation 1377616 (VCV001377616.9), dbSNP rs1035815151, ClinGen allele CA229358709.